The following is an entry in ClinVar:

ClinVar aggregate classification (germline): Uncertain significance (1 of 4 stars; one submission).

Conditions:
LAMA2-related muscular dystrophy (LAMA2-RD). Also called: Laminin alpha 2-related dystrophy. Identifiers: MedGen C5679788, MONDO:0100228.

Allele frequency attached by ClinVar (database versions not stated): gnomAD exomes below 0.00001.
gnomAD v4.1: 2 of 1,613,102 alleles (0.00012%); highest among the groups gnomAD compares: Admixed American, 0.0017%; no homozygotes.

Submission:

Labcorp Genetics (formerly Invitae), Labcorp
Classification: Uncertain significance for LAMA2-related muscular dystrophy. Last evaluated: 2022-11-08. Review status: criteria provided, single submitter. Criteria: Invitae Variant Classification Sherloc (09022015). Collection method: clinical testing. Allele origin: germline.
Comment: In summary, the available evidence is currently insufficient to determine the role of this variant in disease. Therefore, it has been classified as a Variant of Uncertain Significance. Variants that disrupt the consensus splice site are a relatively common cause of aberrant splicing (PMID: 17576681, 9536098). Algorithms developed to predict the effect of sequence changes on RNA splicing suggest that this variant is not likely to affect RNA splicing. This variant has not been reported in the literature in individuals affected with LAMA2-related conditions. This variant is present in population databases (no rsID available, gnomAD 0.003%). This sequence change falls in intron 32 of the LAMA2 gene. It does not directly change the encoded amino acid sequence of the LAMA2 protein. It affects a nucleotide within the consensus splice site.

Literature cited by the submitters: PubMed 17576681; PubMed 9536098.

NM_000426.4(LAMA2):c.4718-3C>T

Gene: LAMA2 (laminin subunit alpha 2; plus strand). Cytogenetic location: 6q22.33.
Variant type: single nucleotide variant.
Coding change: c.4718-3C>T on transcript NM_000426.4 (MANE Select); 3 bases into the intron before coding-DNA position 4718, C replaced by T.
Molecular consequence: intron variant.
Genome position (GRCh38, 1-based): chr6:129,366,216, C>T. VCF-style: chr6-129366216-C-T. GRCh37 (hg19) VCF-style: chr6-129687361-C-T.
Other names: c.4718-3C>T (NM_001079823.2).
Identifiers: ClinVar variation 2183287 (VCV002183287.4), dbSNP rs1467609283, ClinGen allele CA570049050.
Genomic context (GRCh38, chr6:129,366,216, plus strand): 5'-CTTTGAACATCTGCCTGGGATGTTTAGCAGAAGTAACTACTCTTTGTCACTTCTCTTTCA[C>T]AGTTTGTGGAGATGAGTGCACTGGCCTTCTTCTCGGTGACTTGGCTCGCCTGGAGCAGAT-3'